The following is an entry in ClinVar:

ClinVar aggregate classification (germline): Likely pathogenic (0 of 4 stars; one submission).

Conditions:
CBL-related disorder. Also called: CBL MUTATION-ASSOCIATED SYNDROME; CBL SYNDROME; NOONAN SYNDROME-LIKE DISORDER WITHOUT JUVENILE MYELOMONOCYTIC LEUKEMIA. Identifiers: Orphanet 363972, MedGen C3150803, MONDO:0013308, OMIM 613563.

Submission:

PreventionGenetics, part of Exact Sciences
Classification: Likely pathogenic for CBL-related condition. Last evaluated: 2024-01-03. Review status: no assertion criteria provided. Collection method: clinical testing. Allele origin: germline.
Comment: The CBL c.1096-6_1101delinsATTATGAATTTTTTTAAAT variant is predicted to result in an in-frame deletion and insertion. To our knowledge, this variant has not been reported in the literature or in a large population database, indicating this variant is rare. This variant is interpreted as likely pathogenic.

NM_005188.4(CBL):c.1096-6_1101delinsATTATGAATTTTTTTAAAT

Gene: CBL (Cbl proto-oncogene; plus strand). Cytogenetic location: 11q23.3.
Variant type: Indel.
Coding change: c.1096-6_1101delinsATTATGAATTTTTTTAAAT on transcript NM_005188.4 (MANE Select); 6 bases into the intron before coding-DNA position 1096 through coding-DNA position 1101, TCAAAGGAACAA replaced by ATTATGAATTTTTTTAAAT.
Molecular consequence: splice acceptor variant.
Genome position (GRCh38, 1-based): chr11:119,278,160-119,278,171, TCAAAGGAACAA replaced by ATTATGAATTTTTTTAAAT. VCF-style: chr11-119278160-TCAAAGGAACAA-ATTATGAATTTTTTTAAAT. GRCh37 (hg19) VCF-style: chr11-119148870-TCAAAGGAACAA-ATTATGAATTTTTTTAAAT.
Identifiers: ClinVar variation 3033769 (VCV003033769.2), dbSNP rs2496939189, ClinGen allele CA2740093238.